The following is an entry in ClinVar:

NM_032043.3(BRIP1):c.1299A>G (p.Lys433=)

Gene: BRIP1 (BRCA1 interacting DNA helicase 1; minus strand). Cytogenetic location: 17q23.2.
Variant type: single nucleotide variant.
Coding change: c.1299A>G on transcript NM_032043.3 (MANE Select); coding-DNA position 1299, A replaced by G.
Protein change: p.Lys433=; no amino-acid change (lysine 433 retained).
Molecular consequence: synonymous variant.
Genome position (GRCh38, 1-based): chr17:61,799,141, T>C on the plus strand (A>G on the coding strand, the complement: BRIP1 is on the minus strand). VCF-style: chr17-61799141-T-C. GRCh37 (hg19) VCF-style: chr17-59876502-T-C.
Identifiers: ClinVar variation 1332625 (VCV001332625.3), dbSNP rs2145301810, ClinGen allele CA501151481.

ClinVar aggregate classification (germline): Benign/Likely benign. Review status: criteria provided, multiple submitters, no conflicts (2 of 4 stars). 2 submissions from 2 submitters: Benign (1); Likely benign (1). Last evaluated 2024-08-27.

Conditions:
Hereditary cancer-predisposing syndrome. Also called: Tumor predisposition; Hereditary Cancer Syndrome; Neoplastic Syndromes, Hereditary; Hereditary neoplastic syndrome. Identifiers: Orphanet 140162, MedGen C0027672, MeSH D009386, MONDO:0015356.
Familial cancer of breast. Also called: BREAST CANCER, FAMILIAL; hereditary breast carcinoma; Hereditary breast cancer. Identifiers: Orphanet 227535, MedGen C0346153, MONDO:0016419, OMIM 114480. Disease mechanism: loss of function.

Submissions (2):

Myriad Genetics, Inc.
Classification: Benign for Familial cancer of breast. Last evaluated: 2024-08-27. Review status: criteria provided, single submitter. Criteria: Myriad Autosomal Dominant, Autosomal Recessive and X-Linked Classification Criteria (2023). Collection method: clinical testing. Allele origin: unknown.
Comment: This variant is considered benign. This variant is a silent/synonymous amino acid change and it is not expected to impact splicing.

Color Diagnostics, LLC DBA Color Health
Classification: Likely benign for Hereditary cancer-predisposing syndrome. Last evaluated: 2021-07-07. Review status: criteria provided, single submitter. Criteria: ACMG Guidelines, 2015. Collection method: clinical testing. Allele origin: germline.